The following is an entry in ClinVar:

ClinVar aggregate classification (germline): Benign/Likely benign. Review status: criteria provided, multiple submitters, no conflicts (2 of 4 stars). 4 submissions from 4 submitters: Benign (1); Likely benign (2). 1 of the submissions does not count toward it. Last evaluated 2026-02-01.

Conditions:
PCNT-related disorder. Also called: PCNT-related condition.
Microcephalic osteodysplastic primordial dwarfism type II (MOPD2). Also called: MOPD II; OSTEODYSPLASTIC PRIMORDIAL DWARFISM, TYPE II; Microcephalic osteodysplastic primordial dwarfism with tooth abnormalities. Identifiers: Orphanet 2637, MedGen C0432246, MONDO:0008872, OMIM 210720.

Allele frequency attached by ClinVar (database versions not stated): ESP Exome Variant Server 0.00008; gnomAD exomes 0.00016 and 0.00063; gnomAD 0.00020 and 0.00023; TOPMed 0.00040; ExAC 0.00049; 1000 Genomes Project 0.00060; 1000 Genomes Project 30x 0.00062.
gnomAD v4.1: 263 of 1,614,166 alleles (0.016%); highest among the groups gnomAD compares: Admixed American, 0.31%; 3 homozygotes.

Submissions (4):

Labcorp Genetics (formerly Invitae), Labcorp
Classification: Benign. Last evaluated: 2026-02-01. Review status: criteria provided, single submitter. Criteria: Invitae Variant Classification Sherloc (09022015). Collection method: clinical testing. Allele origin: germline.

Illumina Laboratory Services, Illumina
Classification: Likely benign for Microcephalic osteodysplastic primordial dwarfism type II. Last evaluated: 2018-01-12. Review status: criteria provided, single submitter. Criteria: ICSL Variant Classification Criteria 13 December 2019. Collection method: clinical testing. Allele origin: germline.
Comment: This variant was observed in the ICSL laboratory as part of a predisposition screen in an ostensibly healthy population. It had not been previously curated by ICSL or reported in the Human Gene Mutation Database (HGMD: prior to June 1st, 2018), and was therefore a candidate for classification through an automated scoring system. Utilizing variant allele frequency, disease prevalence and penetrance estimates, and inheritance mode, an automated score was calculated to assess if this variant is too frequent to cause the disease. Based on the score and internal cut-off values, a variant classified as likely benign is not then subjected to further curation. The score for this variant resulted in a classification of likely benign for this disease.

Genetic Services Laboratory, University of Chicago
Classification: Likely benign. Last evaluated: 2016-10-13. Review status: criteria provided, single submitter. Criteria: ACMG Guidelines, 2015. Collection method: clinical testing. Allele origin: germline. Affected: no.

PreventionGenetics, part of Exact Sciences
Classification: Likely benign for PCNT-related condition. Last evaluated: 2021-05-19. Review status: no assertion criteria provided. Collection method: clinical testing. Allele origin: germline. Not counted in ClinVar's aggregate classification.
Comment: This variant is classified as likely benign based on ACMG/AMP sequence variant interpretation guidelines (Richards et al. 2015 PMID: 25741868, with internal and published modifications).

NM_006031.6(PCNT):c.6277G>A (p.Asp2093Asn)

Gene: PCNT (pericentrin; plus strand). Cytogenetic location: 21q22.3.
Variant type: single nucleotide variant.
Coding change: c.6277G>A on transcript NM_006031.6 (MANE Select); coding-DNA position 6277, G replaced by A.
Protein change: p.Asp2093Asn; replaces aspartic acid 2093 with asparagine.
Molecular consequence: missense variant.
Genome position (GRCh38, 1-based): chr21:46,416,195, G>A. VCF-style: chr21-46416195-G-A. GRCh37 (hg19) VCF-style: chr21-47836109-G-A.
Other names: c.5923G>A, p.Asp1975Asn (NM_001315529.2); short protein forms D2093N, D1975N.
Identifiers: ClinVar variation 211872 (VCV000211872.19), dbSNP rs200303861, ClinGen allele CA206602.